The following is an entry in ClinVar:

NM_025243.4(SLC19A3):c.151A>G (p.Ile51Val)

Gene: SLC19A3 (solute carrier family 19 member 3; minus strand). Cytogenetic location: 2q36.3.
Variant type: single nucleotide variant.
Coding change: c.151A>G on transcript NM_025243.4 (MANE Select); coding-DNA position 151, A replaced by G.
Protein change: p.Ile51Val; replaces isoleucine 51 with valine.
Molecular consequence: missense variant.
Genome position (GRCh38, 1-based): chr2:227,699,564, T>C on the plus strand (A>G on the coding strand, the complement: SLC19A3 is on the minus strand). VCF-style: chr2-227699564-T-C. GRCh37 (hg19) VCF-style: chr2-228564280-T-C.
Other names: short protein forms I51V.
Identifiers: ClinVar variation 533545 (VCV000533545.10), dbSNP rs764398318, ClinGen allele CA2149363.
Genomic context (GRCh38, chr2:227,699,564, plus strand): 5'-ACACAGGCAGCAGCAGCACCAGGTAGGAGTATGTCCAAACGGGGAAGATCTCATTTGTTA[T>C]CTGCAAAGTTGGTAAATTGCATGACCACGAAGCACCGGTACTTTACTAAGGTACCTGTGG-3'
Protein context (NP_079519.1, residues 41-61): GPDKNLTSAE[Ile51Val]TNEIFPVWTY

ClinVar aggregate classification (germline): Uncertain significance. Review status: criteria provided, multiple submitters, no conflicts (2 of 4 stars). 3 submissions from 3 submitters: Uncertain significance (3). Last evaluated 2025-07-18.

Conditions:
Biotin-responsive basal ganglia disease (BTBGD). Also called: Thiamine Transporter-2 Deficiency; THIAMINE METABOLISM DYSFUNCTION SYNDROME 2 (BIOTIN- AND THIAMINE-RESPONSIVE TYPE); Thiamine metabolism dysfunction syndrome type 2; Thiamine metabolism dysfunction syndrome 2 (biotin- or thiamine-responsive encephalopathy type 2); thiamine-responsive encephalopathy. Identifiers: Orphanet 199348, Orphanet 65284, MedGen C1843807, MONDO:0011841, OMIM 607483.

Allele frequency attached by ClinVar (database versions not stated): gnomAD 0.00001; gnomAD exomes 0.00002 and 0.00003; ExAC 0.00003; TOPMed 0.00003.

Submissions (3):

GeneDx
Classification: Uncertain significance. Last evaluated: 2025-07-18. Review status: criteria provided, single submitter. Criteria: GeneDx Variant Classification Process June 2021. Collection method: clinical testing. Allele origin: germline. Affected: yes.
Comment: Not observed at significant frequency in large population cohorts (gnomAD); In silico analysis suggests that this missense variant does not alter protein structure/function; Has not been previously published as pathogenic or benign to our knowledge; This variant is associated with the following publications: (PMID: 26657515)

Blueprint Genetics
Classification: Uncertain significance. Last evaluated: 2024-05-13. Review status: criteria provided, single submitter. Criteria: ACMG Guidelines, 2015. Collection method: clinical testing. Allele origin: germline.

Labcorp Genetics (formerly Invitae), Labcorp
Classification: Uncertain significance for Biotin-responsive basal ganglia disease. Last evaluated: 2022-08-22. Review status: criteria provided, single submitter. Criteria: Invitae Variant Classification Sherloc (09022015). Collection method: clinical testing. Allele origin: germline.
Comment: This sequence change replaces isoleucine, which is neutral and non-polar, with valine, which is neutral and non-polar, at codon 51 of the SLC19A3 protein (p.Ile51Val). This variant is present in population databases (rs764398318, gnomAD 0.007%). This variant has not been reported in the literature in individuals affected with SLC19A3-related conditions. ClinVar contains an entry for this variant (Variation ID: 533545). Algorithms developed to predict the effect of missense changes on protein structure and function output the following: SIFT: "Tolerated"; PolyPhen-2: "Benign"; Align-GVGD: "Class C0". The valine amino acid residue is found in multiple mammalian species, which suggests that this missense change does not adversely affect protein function. Algorithms developed to predict the effect of sequence changes on RNA splicing suggest that this variant may create or strengthen a splice site. In summary, the available evidence is currently insufficient to determine the role of this variant in disease. Therefore, it has been classified as a Variant of Uncertain Significance.